The following is an entry in ClinVar:

NM_001014342.3(FLG2):c.7175G>C (p.Ter2392Ser)

Genes: FLG2 (filaggrin 2; minus strand), CCDST (cervical cancer associated DHX9 suppressive transcript; plus strand). Cytogenetic location: 1q21.3.
Variant type: single nucleotide variant.
Coding change: c.7175G>C on transcript NM_001014342.3 (MANE Select); coding-DNA position 7175, G replaced by C.
Protein change: p.Ter2392Ser.
Molecular consequence: stop lost.
Genome position (GRCh38, 1-based): chr1:152,350,611, C>G on the plus strand (G>C on the coding strand, the complement: FLG2 is on the minus strand). VCF-style: chr1-152350611-C-G. GRCh37 (hg19) VCF-style: chr1-152323087-C-G.
Identifiers: ClinVar variation 3765853 (VCV003765853.1).

ClinVar aggregate classification (germline): Uncertain significance (1 of 4 stars; one submission).

gnomAD v4.1: 476 of 1,610,192 alleles (0.03%); highest among the groups gnomAD compares: African/African-American, 0.55%; no homozygotes.

Submission:

Greenwood Genetic Center Diagnostic Laboratories, Greenwood Genetic Center
Classification: Uncertain significance. Last evaluated: 2024-07-18. Review status: criteria provided, single submitter. Criteria: ACMG Guidelines, 2015. Collection method: clinical testing. Allele origin: germline. Affected: yes.
Comment: PM4, BS1